The following is an entry in ClinVar:

ClinVar aggregate classification (germline): Benign. Review status: criteria provided, single submitter (1 of 4 stars). 2 submissions from 2 submitters: Benign (1). 1 of the submissions does not count toward it. Last evaluated 2021-05-12.

Conditions:
ELOVL5-related disorder. Also called: ELOVL5-related condition.

Allele frequency attached by ClinVar (database versions not stated): gnomAD exomes 0.00197 and 0.00437; ExAC 0.00561; ESP Exome Variant Server 0.01389; gnomAD 0.02118 and 0.02259; TOPMed 0.02348; 1000 Genomes Project 0.02516; 1000 Genomes Project 30x 0.02701.
gnomAD v4.1: 6,073 of 1,550,604 alleles (0.39%); highest among the groups gnomAD compares: African/African-American, 7.2%; 224 homozygotes.

Submissions (2):

GeneDx
Classification: Benign. Last evaluated: 2021-05-12. Review status: criteria provided, single submitter. Criteria: GeneDx Variant Classification Process June 2021. Collection method: clinical testing. Allele origin: germline. Affected: yes.

PreventionGenetics, part of Exact Sciences
Classification: Benign for ELOVL5-related condition. Last evaluated: 2019-06-04. Review status: no assertion criteria provided. Collection method: clinical testing. Allele origin: germline. Not counted in ClinVar's aggregate classification.
Comment: This variant is classified as benign based on ACMG/AMP sequence variant interpretation guidelines (Richards et al. 2015 PMID: 25741868, with internal and published modifications).

NM_021814.5(ELOVL5):c.58+1207C>T

Gene: ELOVL5 (ELOVL fatty acid elongase 5; minus strand). Cytogenetic location: 6p12.1.
Variant type: single nucleotide variant.
Coding change: c.58+1207C>T on transcript NM_021814.5 (MANE Select); 1207 bases into the intron after coding-DNA position 58, C replaced by T.
Molecular consequence: intron variant. On other transcripts: synonymous variant (1).
Genome position (GRCh38, 1-based): chr6:53,294,435, G>A on the plus strand (C>T on the coding strand, the complement: ELOVL5 is on the minus strand). VCF-style: chr6-53294435-G-A. GRCh37 (hg19) VCF-style: chr6-53159233-G-A.
Other names: c.115C>T, p.Leu39= (NM_001242831.2); c.58+1207C>T (NM_001242830.2, NM_001242828.2, NM_001301856.2); c.115C>T (NM_001242831.1).
Identifiers: ClinVar variation 1286265 (VCV001286265.3), dbSNP rs9474477, ClinGen allele CA3859856.